The following is an entry in ClinVar:

NM_020686.6(ABAT):c.15G>A (p.Leu5=)

Gene: ABAT (4-aminobutyrate aminotransferase; plus strand). Cytogenetic location: 16p13.2.
Variant type: single nucleotide variant.
Coding change: c.15G>A on transcript NM_020686.6 (MANE Select); coding-DNA position 15, G replaced by A.
Protein change: p.Leu5=; no amino-acid change (leucine 5 retained).
Molecular consequence: synonymous variant. On other transcripts: intron variant (3).
Genome position (GRCh38, 1-based): chr16:8,735,754, G>A. VCF-style: chr16-8735754-G-A. GRCh37 (hg19) VCF-style: chr16-8829611-G-A.
Other names: c.15G>A (NM_020686.5); c.15G>A, p.Leu5= (NM_000663.5, NM_001127448.2, NM_001386600.1 and 13 more transcripts); c.-65-10247G>A (NM_001386611.1, NM_001386612.1, NM_001386613.1).
Identifiers: ClinVar variation 4740694 (VCV004740694.2).

ClinVar aggregate classification (germline): Likely benign. Review status: criteria provided, multiple submitters, no conflicts (2 of 4 stars). 2 submissions from 2 submitters: Likely benign (2). Last evaluated 2025-07-06.

Conditions:
ABAT-related disorder. Also called: ABAT-related condition.
Gamma-aminobutyric acid transaminase deficiency (GABATD). Also called: GABA transaminase deficiency; Gamma aminobutyrate transaminase deficiency; 4 alpha aminobutyrate transaminase deficiency; GABA aminotransaminase deficiency. Identifiers: Orphanet 2066, MedGen C0342708, MONDO:0013166, OMIM 613163.

gnomAD v4.1: 3 of 1,605,802 alleles (0.00019%); highest among the groups gnomAD compares: East Asian, 0.0045%; no homozygotes.

Submissions (2):

Labcorp Genetics (formerly Invitae), Labcorp
Classification: Likely benign for Gamma-aminobutyric acid transaminase deficiency. Last evaluated: 2025-07-06. Review status: criteria provided, single submitter. Criteria: Invitae Variant Classification Sherloc (09022015). Collection method: clinical testing. Allele origin: germline.

PreventionGenetics, part of Exact Sciences
Classification: Likely benign for ABAT-related condition. Last evaluated: 2025-02-10. Review status: criteria provided, single submitter. Criteria: ACMG Guidelines, 2015. Collection method: clinical testing. Allele origin: germline.
Comment: This variant is classified as likely benign based on ACMG/AMP sequence variant interpretation guidelines (Richards et al. 2015 PMID: 25741868, with internal and published modifications).